The following is an entry in ClinVar:

NM_000182.5(HADHA):c.157C>T (p.Arg53Ter)

Gene: HADHA (hydroxyacyl-CoA dehydrogenase trifunctional multienzyme complex subunit alpha; minus strand). Cytogenetic location: 2p23.3.
Variant type: single nucleotide variant.
Coding change: c.157C>T on transcript NM_000182.5 (MANE Select); coding-DNA position 157, C replaced by T.
Protein change: p.Arg53Ter; replaces arginine 53 with a stop codon.
Molecular consequence: nonsense.
Genome position (GRCh38, 1-based): chr2:26,238,957, G>A on the plus strand (C>T on the coding strand, the complement: HADHA is on the minus strand). VCF-style: chr2-26238957-G-A. GRCh37 (hg19) VCF-style: chr2-26461825-G-A.
Other names: short protein forms R53*.
Identifiers: ClinVar variation 92594 (VCV000092594.18), dbSNP rs147103714, ClinGen allele CA202224.
Genomic context (GRCh38, chr2:26,238,957, plus strand): 5'-CGGTTAGCAGAAAAAAACTGCAAATTAAATGAGATACCTTTGAATTGGGAGAGTTAATTC[G>A]AACAACTGCCACATCCCCTTTGACTCCATAGTTAATATGGGTTCTGGCTAAAAAGAAAAG-3'

ClinVar aggregate classification (germline): Pathogenic/Likely pathogenic. Review status: criteria provided, multiple submitters, no conflicts (2 of 4 stars). 6 submissions from 6 submitters: Pathogenic (5); Likely pathogenic (1). Last evaluated 2025-03-07.

Conditions:
Long chain 3-hydroxyacyl-CoA dehydrogenase deficiency. Also called: Deficiency of long-chain 3-hydroxyacyl-coenzyme A dehydrogenase; LCHAD Deficiency. Identifiers: Orphanet 5, MedGen C3711645, MONDO:0012173, OMIM 609016.
Mitochondrial trifunctional protein deficiency. Identifiers: Orphanet 746, MedGen C1969443, MONDO:0012172.
Mitochondrial trifunctional protein deficiency 1 (MTPD1). Identifiers: MedGen CN376812, MONDO:0958181, OMIM 609015.

gnomAD v4.1: 7 of 1,607,222 alleles (0.00044%); highest among the groups gnomAD compares: South Asian, 0.0022%; no homozygotes.

Submissions (6):

Labcorp Genetics (formerly Invitae), Labcorp
Classification: Pathogenic for Mitochondrial trifunctional protein deficiency; Long chain 3-hydroxyacyl-CoA dehydrogenase deficiency. Last evaluated: 2025-03-07. Review status: criteria provided, single submitter. Criteria: Invitae Variant Classification Sherloc (09022015). Collection method: clinical testing. Allele origin: germline.
Comment: This sequence change creates a premature translational stop signal (p.Arg53*) in the HADHA gene. It is expected to result in an absent or disrupted protein product. Loss-of-function variants in HADHA are known to be pathogenic (PMID: 7738175, 21103935, 21549624, 22459206). This variant is present in population databases (rs147103714, gnomAD 0.002%). This premature translational stop signal has been observed in individual(s) with HADHA-related conditions (PMID: 20659813). ClinVar contains an entry for this variant (Variation ID: 92594). Algorithms developed to predict the effect of sequence changes on RNA splicing suggest that this variant may disrupt the consensus splice site. For these reasons, this variant has been classified as Pathogenic.

Baylor Genetics
Classification: Pathogenic for Long chain 3-hydroxyacyl-CoA dehydrogenase deficiency. Last evaluated: 2024-02-05. Review status: criteria provided, single submitter. Criteria: ACMG Guidelines, 2015. Collection method: clinical testing. Allele origin: unknown.

Fulgent Genetics
Classification: Likely pathogenic for Mitochondrial trifunctional protein deficiency 1; Long chain 3-hydroxyacyl-CoA dehydrogenase deficiency. Last evaluated: 2024-01-09. Review status: criteria provided, single submitter. Criteria: ACMG Guidelines, 2015. Collection method: clinical testing. Allele origin: germline.

Women's Health and Genetics/Laboratory Corporation of America, LabCorp
Classification: Pathogenic for Mitochondrial trifunctional protein deficiency. Last evaluated: 2021-04-10. Review status: criteria provided, single submitter. Criteria: LabCorp Variant Classification Summary - May 2015. Collection method: clinical testing. Allele origin: germline.
Comment: Variant summary: HADHA c.157C>T (p.Arg53X) results in a premature termination codon, predicted to cause a truncation of the encoded protein or absence of the protein due to nonsense mediated decay, which are commonly known mechanisms for disease. Truncations downstream of this position have been classified as pathogenic by our laboratory. The variant allele was found at a frequency of 8e-06 in 251392 control chromosomes. c.157C>T has been reported in the literature in individuals affected with Mitochondrial Trifunctional Protein Deficiency (example, Sperk_2010, Bo_2017). These data indicate that the variant is likely to be associated with disease. To our knowledge, no experimental evidence demonstrating an impact on protein function has been reported. No other clinical diagnostic laboratories have submitted clinical-significance assessments for this variant to ClinVar after 2014. Based on the evidence outlined above, the variant was classified as pathogenic.

Eurofins Ntd Llc (ga)
Classification: Pathogenic. Last evaluated: 2013-04-09. Review status: criteria provided, single submitter. Criteria: EGL Classification Definitions. Collection method: clinical testing. Allele origin: germline. Observed: 2 variant alleles, 2 heterozygotes, 1 homozygote.

Kariminejad - Najmabadi Pathology & Genetics Center
Classification: Pathogenic for Long chain 3-hydroxyacyl-CoA dehydrogenase deficiency. Review status: criteria provided, single submitter. Criteria: ACMG Guidelines, 2015. Collection method: clinical testing. Allele origin: germline. Affected: no.

Literature cited by the submitters: PubMed 7738175 (cited by Labcorp Genetics (formerly Invitae), Labcorp); PubMed 21103935 (cited by Labcorp Genetics (formerly Invitae), Labcorp); PubMed 21549624 (cited by Labcorp Genetics (formerly Invitae), Labcorp and Women's Health and Genetics/Laboratory Corporation of America, LabCorp); PubMed 22459206 (cited by Labcorp Genetics (formerly Invitae), Labcorp); PubMed 20659813 (cited by Labcorp Genetics (formerly Invitae), Labcorp and Women's Health and Genetics/Laboratory Corporation of America, LabCorp); PubMed 28515471 (cited by Women's Health and Genetics/Laboratory Corporation of America, LabCorp).